The following is an entry in ClinVar:

ClinVar aggregate classification (germline): Uncertain significance (1 of 4 stars; one submission).

Submission:

Labcorp Genetics (formerly Invitae), Labcorp
Classification: Uncertain significance. Last evaluated: 2022-09-17. Review status: criteria provided, single submitter. Criteria: Invitae Variant Classification Sherloc (09022015). Collection method: clinical testing. Allele origin: germline.
Comment: In summary, the available evidence is currently insufficient to determine the role of this variant in disease. Therefore, it has been classified as a Variant of Uncertain Significance. Advanced modeling of protein sequence and biophysical properties (such as structural, functional, and spatial information, amino acid conservation, physicochemical variation, residue mobility, and thermodynamic stability) performed at Invitae indicates that this missense variant is not expected to disrupt DUOX2 protein function. This variant has not been reported in the literature in individuals affected with DUOX2-related conditions. This variant is not present in population databases (gnomAD no frequency). This sequence change replaces serine, which is neutral and polar, with threonine, which is neutral and polar, at codon 429 of the DUOX2 protein (p.Ser429Thr).

NM_001363711.2(DUOX2):c.1286G>C (p.Ser429Thr)

Gene: DUOX2 (dual oxidase 2; minus strand). Cytogenetic location: 15q21.1.
Variant type: single nucleotide variant.
Coding change: c.1286G>C on transcript NM_001363711.2 (MANE Select); coding-DNA position 1286, G replaced by C.
Protein change: p.Ser429Thr; replaces serine 429 with threonine.
Molecular consequence: missense variant.
Genome position (GRCh38, 1-based): chr15:45,108,901, C>G on the plus strand (G>C on the coding strand, the complement: DUOX2 is on the minus strand). VCF-style: chr15-45108901-C-G. GRCh37 (hg19) VCF-style: chr15-45401099-C-G.
Other names: c.1286G>C, p.Ser429Thr (NM_014080.5); short protein forms S429T.
Identifiers: ClinVar variation 1719684 (VCV001719684.5), dbSNP rs2504775520, ClinGen allele CA392276955.
Genomic context (GRCh38, chr15:45,108,901, plus strand): 5'-CCAAAGGCCAGCAGGGCCTGGCTATAGCTGGGCAGCCCCATATCTCGGCCACGTTGGATG[C>G]TGCTGGCCACATAGTCTGTACGGGAGAATTTGCCAGGGCCAGGCCAGTAATCTGAAGAGG-3'
Protein context (NP_001350640.1, residues 419-439): KFSRTDYVAS[Ser429Thr]IQRGRDMGLP